The following is an entry in ClinVar:

NM_001367624.2(ZNF469):c.11768G>A (p.Arg3923Gln)

Gene: ZNF469 (zinc finger protein 469; plus strand). Cytogenetic location: 16q24.2.
Variant type: single nucleotide variant.
Coding change: c.11768G>A on transcript NM_001367624.2 (MANE Select); coding-DNA position 11768, G replaced by A.
Protein change: p.Arg3923Gln; replaces arginine 3923 with glutamine.
Molecular consequence: missense variant.
Genome position (GRCh38, 1-based): chr16:88,439,238, G>A. VCF-style: chr16-88439238-G-A. GRCh37 (hg19) VCF-style: chr16-88505646-G-A.
Other names: NM_001127464.1:c.11684G>A; short protein forms R3923Q.
Identifiers: ClinVar variation 1431320 (VCV001431320.6), dbSNP rs281165935, ClinGen allele CA286388537.
Genomic context (GRCh38, chr16:88,439,238, plus strand): 5'-GGCCCCCCAAGAGGGGCACAGCTGTCCACGGTGCTGAACCTGCCGAGCCACACACCCACC[G>A]GACGGCCGAGGCCCAGAGTGACCTCCTCAGCCAGCTCTTCGGGCAGAGACTAACTGGCTT-3'
Protein context (NP_001354553.1, residues 3913-3933): GAEPAEPHTH[Arg3923Gln]TAEAQSDLLS

ClinVar aggregate classification (germline): Uncertain significance. Review status: criteria provided, multiple submitters, no conflicts (2 of 4 stars). 3 submissions from 3 submitters: Uncertain significance (3). Last evaluated 2024-07-24.

Conditions:
Cardiovascular phenotype. Identifiers: MedGen CN230736.

Allele frequency attached by ClinVar (database versions not stated): gnomAD 0.00001 and 0.00003; gnomAD exomes 0.00004 and 0.00007; TOPMed 0.00005.
gnomAD v4.1: 55 of 1,550,486 alleles (0.0035%); highest among the groups gnomAD compares: East Asian, 0.017%; no homozygotes.

Submissions (3):

Ambry Genetics
Classification: Uncertain significance for Cardiovascular phenotype. Last evaluated: 2024-07-24. Review status: criteria provided, single submitter. Criteria: Ambry Variant Classification Scheme 2023. Collection method: clinical testing. Allele origin: germline.
Comment: The p.R3895Q variant (also known as c.11684G>A), located in coding exon 2 of the ZNF469 gene, results from a G to A substitution at nucleotide position 11684. The arginine at codon 3895 is replaced by glutamine, an amino acid with highly similar properties. This amino acid position is conserved. In addition, this alteration is predicted to be tolerated by in silico analysis. Since supporting evidence is limited at this time, the clinical significance of this alteration remains unclear.

GeneDx
Classification: Uncertain significance. Last evaluated: 2023-03-02. Review status: criteria provided, single submitter. Criteria: GeneDx Variant Classification Process June 2021. Collection method: clinical testing. Allele origin: germline. Affected: yes.
Comment: In silico analysis supports that this missense variant does not alter protein structure/function; Has not been previously published as pathogenic or benign to our knowledge

Labcorp Genetics (formerly Invitae), Labcorp
Classification: Uncertain significance. Last evaluated: 2022-02-18. Review status: criteria provided, single submitter. Criteria: Invitae Variant Classification Sherloc (09022015). Collection method: clinical testing. Allele origin: germline.
Comment: This sequence change replaces arginine, which is basic and polar, with glutamine, which is neutral and polar, at codon 3895 of the ZNF469 protein (p.Arg3895Gln). This variant is present in population databases (rs281165935, gnomAD 0.03%). This variant has not been reported in the literature in individuals affected with ZNF469-related conditions. Algorithms developed to predict the effect of missense changes on protein structure and function output the following: SIFT: "Tolerated"; PolyPhen-2: "Benign"; Align-GVGD: "Class C0". The glutamine amino acid residue is found in multiple mammalian species, which suggests that this missense change does not adversely affect protein function. Algorithms developed to predict the effect of sequence changes on RNA splicing suggest that this variant may create or strengthen a splice site. In summary, the available evidence is currently insufficient to determine the role of this variant in disease. Therefore, it has been classified as a Variant of Uncertain Significance.